The following is an entry in ClinVar:

NM_001130413.4(SCNN1D):c.1261G>A (p.Gly421Ser)

Gene: SCNN1D (sodium channel epithelial 1 subunit delta; plus strand). Cytogenetic location: 1p36.33.
Variant type: single nucleotide variant.
Coding change: c.1261G>A on transcript NM_001130413.4 (MANE Select); coding-DNA position 1261, G replaced by A.
Protein change: p.Gly421Ser; replaces glycine 421 with serine.
Molecular consequence: missense variant. On other transcripts: non-coding transcript variant (1).
Genome position (GRCh38, 1-based): chr1:1,287,250, G>A. VCF-style: chr1-1287250-G-A. GRCh37 (hg19) VCF-style: chr1-1222630-G-A.
Other names: short protein forms G421S.
Identifiers: ClinVar variation 3239133 (VCV003239133.19), dbSNP rs150404173.

ClinVar aggregate classification (germline): Likely benign (1 of 4 stars; one submission).

Allele frequency attached by ClinVar (database versions not stated): ESP Exome Variant Server 0.00016; gnomAD exomes 0.00021; gnomAD 0.00025; TOPMed 0.00028; ExAC 0.00029.

Submission:

CeGaT Center for Human Genetics Tuebingen
Classification: Likely benign. Last evaluated: 2024-05-01. Review status: criteria provided, single submitter. Criteria: CeGaT Center For Human Genetics Tuebingen Variant Classification Criteria Version 2. Collection method: clinical testing. Allele origin: germline. Affected: yes. Observed: 1 variant allele.
Comment: SCNN1D: BP4, BS2